The following is an entry in ClinVar:

GRCh37/hg19 Xp22.33(chrX:500243-699424)x3

Variant type: copy number gain.
Change: copy number 3 of chrX:500,243-699,424 (199.2 kb, GRCh37 coordinates, 1-based), cytogenetic band Xp22.33.
Identifiers: ClinVar variation 666448 (VCV000666448.4).

ClinVar aggregate classification (germline): Uncertain significance (1 of 4 stars; one submission).

Submission:

Centro Nacional de Genética Medica, Administración Nacional de Laboratorios e Institutos de Salud (ANLIS) “Dr. Carlos G Malbrán”
Classification: Uncertain significance. Last evaluated: 2020-05-12. Review status: criteria provided, single submitter. Criteria: ACMG CNV Guidelines, 2011. Collection method: clinical testing. Allele origin: germline. Affected: yes.